The following is an entry in ClinVar:

NM_177438.3(DICER1):c.2057G>C (p.Cys686Ser)

Gene: DICER1 (dicer 1, ribonuclease III; minus strand). Cytogenetic location: 14q32.13.
Variant type: single nucleotide variant.
Coding change: c.2057G>C on transcript NM_177438.3 (MANE Select); coding-DNA position 2057, G replaced by C.
Protein change: p.Cys686Ser; replaces cysteine 686 with serine.
Molecular consequence: missense variant. On other transcripts: non-coding transcript variant (6).
Genome position (GRCh38, 1-based): chr14:95,112,231, C>G on the plus strand (G>C on the coding strand, the complement: DICER1 is on the minus strand). VCF-style: chr14-95112231-C-G. GRCh37 (hg19) VCF-style: chr14-95578568-C-G.
Other names: c.2057G>C, p.Cys686Ser (NM_001195573.1, NM_001271282.3, NM_001291628.2 and 13 more transcripts); c.1775G>C, p.Cys592Ser (NM_001395686.1); c.1652G>C, p.Cys551Ser (NM_001395687.1, NM_001395688.1, NM_001395689.1 and 3 more transcripts); c.1490G>C, p.Cys497Ser (NM_001395691.1); c.374G>C, p.Cys125Ser (NM_001395697.1); short protein forms C125S, C497S, C551S, C686S, C592S.
Identifiers: ClinVar variation 1995457 (VCV001995457.4), dbSNP rs769510378, ClinGen allele CA390883112.
Genomic context (GRCh38, chr14:95,112,231, plus strand): 5'-CCAATTTTGTGCAGTTTCTCACAGCAAATGAGAGCTACAACTCTTTCAGCCAATCGTACA[C>G]AGCTCATTGGTGGACCCTGAAAATAACAAAAACCTTTCCATTATATATGCACATCGCTGT-3'
Protein context (NP_803187.1, residues 676-696): RASIVGPPMS[Cys686Ser]VRLAERVVAL

ClinVar aggregate classification (germline): Uncertain significance (1 of 4 stars; one submission).

Conditions:
DICER1-related tumor predisposition. Also called: DICER1-related pleuropulmonary blastoma cancer predisposition syndrome; DICER1 syndrome. Identifiers: Orphanet 284343, MedGen C3839822, MONDO:0100216.

Submission:

Labcorp Genetics (formerly Invitae), Labcorp
Classification: Uncertain significance for DICER1-related tumor predisposition. Last evaluated: 2022-05-17. Review status: criteria provided, single submitter. Criteria: Invitae Variant Classification Sherloc (09022015). Collection method: clinical testing. Allele origin: germline.
Comment: In summary, the available evidence is currently insufficient to determine the role of this variant in disease. Therefore, it has been classified as a Variant of Uncertain Significance. Algorithms developed to predict the effect of missense changes on protein structure and function (SIFT, PolyPhen-2, Align-GVGD) all suggest that this variant is likely to be tolerated. This variant has not been reported in the literature in individuals affected with DICER1-related conditions. This variant is not present in population databases (gnomAD no frequency). This sequence change replaces cysteine, which is neutral and slightly polar, with serine, which is neutral and polar, at codon 686 of the DICER1 protein (p.Cys686Ser).